The following is an entry in ClinVar:

NM_015192.4(PLCB1):c.138C>T (p.Asp46=)

Gene: PLCB1 (phospholipase C beta 1; plus strand). Cytogenetic location: 20p12.3.
Variant type: single nucleotide variant.
Coding change: c.138C>T on transcript NM_015192.4 (MANE Select); coding-DNA position 138, C replaced by T.
Protein change: p.Asp46=; no amino-acid change (aspartic acid 46 retained).
Molecular consequence: synonymous variant.
Genome position (GRCh38, 1-based): chr20:8,150,332, C>T. VCF-style: chr20-8150332-C-T. GRCh37 (hg19) VCF-style: chr20-8130979-C-T.
Other names: c.138C>T, p.Asp46= (NM_182734.3).
Identifiers: ClinVar variation 748122 (VCV000748122.13), dbSNP rs368510730, ClinGen allele CA9759576.

ClinVar aggregate classification (germline): Likely benign. Review status: criteria provided, single submitter (1 of 4 stars). 2 submissions from 2 submitters: Likely benign (1). 1 of the submissions does not count toward it. Last evaluated 2025-11-17.

Conditions:
Developmental and epileptic encephalopathy, 12 (DEE12). Identifiers: MedGen C3150988, MONDO:0013389, OMIM 613722.
PLCB1-related disorder. Also called: PLCB1-related condition.

Allele frequency attached by ClinVar (database versions not stated): gnomAD exomes 0.00001 and 0.00004; ExAC 0.00003; TOPMed 0.00003; gnomAD 0.00004 and 0.00005; ESP Exome Variant Server 0.00008.
gnomAD v4.1: 58 of 1,568,562 alleles (0.0037%); highest among the groups gnomAD compares: Non-Finnish European, 0.0049%; no homozygotes.

Submissions (2):

Labcorp Genetics (formerly Invitae), Labcorp
Classification: Likely benign for Developmental and epileptic encephalopathy, 12. Last evaluated: 2025-11-17. Review status: criteria provided, single submitter. Criteria: Invitae Variant Classification Sherloc (09022015). Collection method: clinical testing. Allele origin: germline.

PreventionGenetics, part of Exact Sciences
Classification: Likely benign for PLCB1-related condition. Last evaluated: 2019-05-06. Review status: no assertion criteria provided. Collection method: clinical testing. Allele origin: germline. Not counted in ClinVar's aggregate classification.
Comment: This variant is classified as likely benign based on ACMG/AMP sequence variant interpretation guidelines (Richards et al. 2015 PMID: 25741868, with internal and published modifications).